The following is an entry in ClinVar:

NM_001999.4(FBN2):c.5353+10C>T

Gene: FBN2 (fibrillin 2; minus strand). Cytogenetic location: 5q23.3.
Variant type: single nucleotide variant.
Coding change: c.5353+10C>T on transcript NM_001999.4 (MANE Select); 10 bases into the intron after coding-DNA position 5353, C replaced by T.
Molecular consequence: intron variant.
Genome position (GRCh38, 1-based): chr5:128,309,237, G>A on the plus strand (C>T on the coding strand, the complement: FBN2 is on the minus strand). VCF-style: chr5-128309237-G-A. GRCh37 (hg19) VCF-style: chr5-127644929-G-A.
Identifiers: ClinVar variation 137337 (VCV000137337.29), dbSNP rs113589974, ClinGen allele CA290882.

ClinVar aggregate classification (germline): Benign/Likely benign. Review status: criteria provided, multiple submitters, no conflicts (2 of 4 stars). 8 submissions from 8 submitters: Benign (4); Likely benign (4). Last evaluated 2026-02-02.

Conditions:
Ehlers-Danlos syndrome (EDS). Identifiers: Orphanet 98249, MedGen C0013720, MONDO:0020066.
Congenital contractural arachnodactyly (CCA). Also called: Beals-Hecht syndrome; Arthrogryposis, distal, type 9; BEALS SYNDROME. Identifiers: Orphanet 115, MedGen C0220668, MONDO:0007363, OMIM 121050.

Allele frequency attached by ClinVar (database versions not stated): ESP Exome Variant Server 0.00062; TOPMed 0.00096; gnomAD 0.00109 and 0.00110; 1000 Genomes Project 30x 0.00141; 1000 Genomes Project 0.00160.
gnomAD v4.1: 473 of 1,613,806 alleles (0.029%); highest among the groups gnomAD compares: African/African-American, 0.32%; 1 homozygote.

Submissions (8):

Labcorp Genetics (formerly Invitae), Labcorp
Classification: Benign for Congenital contractural arachnodactyly. Last evaluated: 2026-02-02. Review status: criteria provided, single submitter. Criteria: Invitae Variant Classification Sherloc (09022015). Collection method: clinical testing. Allele origin: germline.

Blueprint Genetics
Classification: Likely benign. Last evaluated: 2024-11-08. Review status: criteria provided, single submitter. Criteria: ACMG Guidelines, 2015. Collection method: clinical testing. Allele origin: germline.

Women's Health and Genetics/Laboratory Corporation of America, LabCorp
Classification: Benign. Last evaluated: 2024-03-30. Review status: criteria provided, single submitter. Criteria: LabCorp Variant Classification Summary - May 2015. Collection method: clinical testing. Allele origin: germline.

ARUP Laboratories, Molecular Genetics and Genomics, ARUP Laboratories
Classification: Likely benign. Last evaluated: 2023-06-01. Review status: criteria provided, single submitter. Criteria: ARUP Molecular Germline Variant Investigation Process 2024. Collection method: clinical testing. Allele origin: germline.

Genome Diagnostics Laboratory, The Hospital for Sick Children
Classification: Likely benign for Ehlers-Danlos syndrome. Last evaluated: 2019-06-01. Review status: criteria provided, single submitter. Criteria: ACMG Guidelines, 2015. Collection method: clinical testing. Allele origin: germline.

Illumina Laboratory Services, Illumina
Classification: Benign for Congenital contractural arachnodactyly. Last evaluated: 2018-01-13. Review status: criteria provided, single submitter. Criteria: ICSL Variant Classification Criteria 13 December 2019. Collection method: clinical testing. Allele origin: germline.
Comment: This variant was observed in the ICSL laboratory as part of a predisposition screen in an ostensibly healthy population. It had not been previously curated by ICSL or reported in the Human Gene Mutation Database (HGMD: prior to June 1st, 2018), and was therefore a candidate for classification through an automated scoring system. Utilizing variant allele frequency, disease prevalence and penetrance estimates, and inheritance mode, an automated score was calculated to assess if this variant is too frequent to cause the disease. Based on the score and internal cut-off values, a variant classified as benign is not then subjected to further curation. The score for this variant resulted in a classification of benign for this disease.

GeneDx
Classification: Benign. Last evaluated: 2014-02-15. Review status: criteria provided, single submitter. Criteria: GeneDx Variant Classification (06012015). Collection method: clinical testing. Allele origin: germline. Affected: yes.
Comment: This variant is considered likely benign or benign based on one or more of the following criteria: it is a conservative change, it occurs at a poorly conserved position in the protein, it is predicted to be benign by multiple in silico algorithms, and/or has population frequency not consistent with disease.

Breakthrough Genomics
Classification: Likely benign. Review status: criteria provided, single submitter. Criteria: ACMG Guidelines, 2015. Collection method: not provided. Allele origin: germline. Inheritance: Autosomal dominant inheritance. Affected: yes.